The following is an entry in ClinVar:

NM_138713.4(NFAT5):c.3058A>G (p.Asn1020Asp)

Gene: NFAT5 (nuclear factor of activated T cells 5; plus strand). Cytogenetic location: 16q22.1.
Variant type: single nucleotide variant.
Coding change: c.3058A>G on transcript NM_138713.4 (MANE Select); coding-DNA position 3058, A replaced by G.
Protein change: p.Asn1020Asp; replaces asparagine 1020 with aspartic acid.
Molecular consequence: missense variant.
Genome position (GRCh38, 1-based): chr16:69,692,883, A>G. VCF-style: chr16-69692883-A-G. GRCh37 (hg19) VCF-style: chr16-69726786-A-G.
Other names: c.3055A>G, p.Asn1019Asp (NM_001113178.3); c.2383A>G, p.Asn795Asp (NM_001367709.1); c.3004A>G, p.Asn1002Asp (NM_006599.4); c.2776A>G, p.Asn926Asp (NM_138714.4, NM_173214.3, NM_173215.3); short protein forms N795D, N1020D, N926D, N1002D, N1019D.
Identifiers: ClinVar variation 2983255 (VCV002983255.3), dbSNP rs2544240729, ClinGen allele CA396512149.

ClinVar aggregate classification (germline): Uncertain significance (1 of 4 stars; one submission).

Conditions:
Immunodeficiency. Identifiers: MedGen C0021051, MONDO:0021094, HP:0002721.

Submission:

Labcorp Genetics (formerly Invitae), Labcorp
Classification: Uncertain significance for Immunodeficiency. Last evaluated: 2025-05-04. Review status: criteria provided, single submitter. Criteria: Invitae Variant Classification Sherloc (09022015). Collection method: clinical testing. Allele origin: germline.
Comment: This sequence change replaces asparagine, which is neutral and polar, with aspartic acid, which is acidic and polar, at codon 926 of the NFAT5 protein (p.Asn926Asp). This variant is not present in population databases (gnomAD no frequency). This variant has not been reported in the literature in individuals affected with NFAT5-related conditions. ClinVar contains an entry for this variant (Variation ID: 2983255). An algorithm developed to predict the effect of missense changes on protein structure and function (PolyPhen-2) suggests that this variant is likely to be tolerated. In summary, the available evidence is currently insufficient to determine the role of this variant in disease. Therefore, it has been classified as a Variant of Uncertain Significance.